The following is an entry in ClinVar:

NM_006268.5(DPF2):c.1099+2dup

Gene: DPF2 (double PHD fingers 2; plus strand). Cytogenetic location: 11q13.1.
Variant type: Duplication.
Coding change: c.1099+2dup on transcript NM_006268.5 (MANE Select); the canonical splice donor site of the intron after coding-DNA position 1099, one base duplicated (T; older notation c.1099+2dupT).
Molecular consequence: splice donor variant.
Genome position (GRCh38, 1-based): chr11:65,348,933, T duplicated. VCF-style (leftmost placement, unchanged base first): chr11-65348932-G-GT. GRCh37 (hg19) VCF-style: chr11-65116403-G-GT.
Other names: c.1141+2dup (NM_001330308.2).
Identifiers: ClinVar variation 1676450 (VCV001676450.3), dbSNP rs2137711145, ClinGen allele CA2573147462.
Genomic context (GRCh38, chr11:65,348,932, plus strand): 5'-ACTGCGATCGTGGCTACCACATGTACTGTCTCACCCCGTCCATGTCTGAGCCCCCTGAAG[G>GT]TAAGTTGCCCAGATCTTTTACTCAGAACAATTACTTTATTAGTTACTTGGAAAATACTGA-3'

ClinVar aggregate classification (germline): Likely pathogenic (1 of 4 stars; one submission).

Conditions:
Coffin-Siris syndrome 7. Identifiers: MedGen C4747954, MONDO:0054831, OMIM 618027.

Submission:

Greenwood Genetic Center Diagnostic Laboratories, Greenwood Genetic Center
Classification: Likely pathogenic for Coffin-Siris syndrome 7. Last evaluated: 2022-02-18. Review status: criteria provided, single submitter. Criteria: ACMG Guidelines, 2015. Collection method: clinical testing. Allele origin: germline. Affected: yes.
Comment: PS2, PM2